The following is an entry in ClinVar:

ClinVar aggregate classification (germline): Uncertain significance (1 of 4 stars; one submission).

Allele frequency attached by ClinVar (database versions not stated): gnomAD exomes below 0.00001; gnomAD 0.00001.
gnomAD v4.1: 6 of 1,611,198 alleles (0.00037%); highest among the groups gnomAD compares: African/African-American, 0.0013%; no homozygotes.

Submission:

Labcorp Genetics (formerly Invitae), Labcorp
Classification: Uncertain significance. Last evaluated: 2022-06-08. Review status: criteria provided, single submitter. Criteria: Invitae Variant Classification Sherloc (09022015). Collection method: clinical testing. Allele origin: germline.
Comment: This sequence change affects codon 122 of the MYSM1 mRNA. It is a 'silent' change, meaning that it does not change the encoded amino acid sequence of the MYSM1 protein. This variant is present in population databases (no rsID available, gnomAD 0.004%). This variant has not been reported in the literature in individuals affected with MYSM1-related conditions. Algorithms developed to predict the effect of sequence changes on RNA splicing suggest that this variant may disrupt the consensus splice site. In summary, the available evidence is currently insufficient to determine the role of this variant in disease. Therefore, it has been classified as a Variant of Uncertain Significance.

NM_001085487.3(MYSM1):c.366G>A (p.Thr122=)

Gene: MYSM1 (Myb like, SWIRM and MPN domains 1; minus strand). Cytogenetic location: 1p32.1.
Variant type: single nucleotide variant.
Coding change: c.366G>A on transcript NM_001085487.3 (MANE Select); coding-DNA position 366, G replaced by A.
Protein change: p.Thr122=; no amino-acid change (threonine 122 retained).
Molecular consequence: synonymous variant.
Genome position (GRCh38, 1-based): chr1:58,689,071, C>T on the plus strand (G>A on the coding strand, the complement: MYSM1 is on the minus strand). VCF-style: chr1-58689071-C-T. GRCh37 (hg19) VCF-style: chr1-59154743-C-T.
Identifiers: ClinVar variation 2102726 (VCV002102726.1), dbSNP rs1384243395, ClinGen allele CA417986778.
Genomic context (GRCh38, chr1:58,689,071, plus strand): 5'-CTAAAAATTTAAAATTGCTCTATTTACCAGCCCTTGTTCAAACAGCTCTTTTTCTTCTAT[C>T]GTCCACTTTACTGAGTAACTGGCTGGTTTTGTAGGAGAGTGTACCCTGAGGGGAAAAAAA-3'
Protein context (NP_001078956.1, residues 112-132): TKPASYSVKW[Thr122=]IEEKELFEQG